The following is an entry in ClinVar:

ClinVar aggregate classification (germline): Pathogenic (1 of 4 stars; one submission).

Conditions:
Niemann-Pick disease, type C1. Also called: NEUROVISCERAL STORAGE DISEASE WITH VERTICAL SUPRANUCLEAR OPHTHALMOPLEGIA; NIEMANN-PICK DISEASE WITH CHOLESTEROL ESTERIFICATION BLOCK; NIEMANN-PICK DISEASE WITHOUT SPHINGOMYELINASE DEFICIENCY; NIEMANN-PICK DISEASE, CHRONIC NEURONOPATHIC FORM; NIEMANN-PICK DISEASE, VARIANT TYPE C1. Identifiers: Orphanet 646, MedGen C3179455, MONDO:0009757, OMIM 257220.

Submission:

Labcorp Genetics (formerly Invitae), Labcorp
Classification: Pathogenic for Niemann-Pick disease, type C1. Last evaluated: 2024-02-23. Review status: criteria provided, single submitter. Criteria: Invitae Variant Classification Sherloc (09022015). Collection method: clinical testing. Allele origin: germline.
Comment: This sequence change creates a premature translational stop signal (p.Gln581Profs*9) in the NPC1 gene. It is expected to result in an absent or disrupted protein product. Loss-of-function variants in NPC1 are known to be pathogenic (PMID: 9211850). This variant is not present in population databases (gnomAD no frequency). This variant has not been reported in the literature in individuals affected with NPC1-related conditions. For these reasons, this variant has been classified as Pathogenic.

Literature cited by the submitters: PubMed 9211850.

NM_000271.5(NPC1):c.1741dup (p.Gln581fs)

Gene: NPC1 (NPC intracellular cholesterol transporter 1; minus strand). Cytogenetic location: 18q11.2.
Variant type: Duplication.
Coding change: c.1741dup on transcript NM_000271.5 (MANE Select); coding-DNA position 1741, one base duplicated (C; older notation c.1741dupC).
Protein change: p.Gln581fs; shifts the reading frame from glutamine 581.
Molecular consequence: frameshift variant.
Genome position (GRCh38, 1-based): chr18:23,548,022, G duplicated on the plus strand (C on the coding strand, the reverse complement: NPC1 is on the minus strand); the first of 3 consecutive G bases (chr18:23,548,022-23,548,024); duplicating any one gives the same sequence. VCF-style (leftmost placement, unchanged base first): chr18-23548021-T-TG. GRCh37 (hg19) VCF-style: chr18-21127985-T-TG.
Other names: short protein forms Q581fs.
Identifiers: ClinVar variation 3642868 (VCV003642868.2).